The following is an entry in ClinVar:

NC_000017.10:g.(?_56787200)_(56811583_?)del

Gene: RAD51C (RAD51 paralog C; plus strand). Cytogenetic location: 17q22.
Variant type: Deletion.
Identifiers: ClinVar variation 3243084 (VCV003243084.1).

ClinVar aggregate classification (germline): Pathogenic (1 of 4 stars; one submission).

Conditions:
Fanconi anemia complementation group O. Also called: RAD51C-Related Fanconi Anemia. Identifiers: Orphanet 84, MedGen C3150653, MONDO:0013248, OMIM 613390.

Submission:

Labcorp Genetics (formerly Invitae), Labcorp
Classification: Pathogenic for Fanconi anemia complementation group O. Last evaluated: 2024-01-17. Review status: criteria provided, single submitter. Criteria: Invitae Variant Classification Sherloc (09022015). Collection method: clinical testing. Allele origin: unknown.
Comment: This variant is a gross deletion of the genomic region encompassing exon(s) 5-9 of the RAD51C gene, which includes the termination codon. This deletion extends beyond the assayed region for this gene and therefore may encompass additional genes. While this deletion is not anticipated to lead to nonsense mediated decay, it is expected to alter mRNA translation or result in a truncated protein product. A similar copy number variant has been observed in individual(s) with breast cancer and ovarian cancer (PMID: 24359560). The region of the RAD51C gene that includes exon(s) 5-9 has been determined to be clinically significant (PMID: 24359560). Therefore, deletions that encompass that region are likely to be disease-causing. For these reasons, this variant has been classified as Pathogenic.

Literature cited by the submitters: PubMed 24359560.